The following is an entry in ClinVar:

NM_080860.4(RSPH1):c.712G>A (p.Ala238Thr)

Gene: RSPH1 (radial spoke head component 1; minus strand). Cytogenetic location: 21q22.3.
Variant type: single nucleotide variant.
Coding change: c.712G>A on transcript NM_080860.4 (MANE Select); coding-DNA position 712, G replaced by A.
Protein change: p.Ala238Thr; replaces alanine 238 with threonine.
Molecular consequence: missense variant.
Genome position (GRCh38, 1-based): chr21:42,477,306, C>T on the plus strand (G>A on the coding strand, the complement: RSPH1 is on the minus strand). VCF-style: chr21-42477306-C-T. GRCh37 (hg19) VCF-style: chr21-43897416-C-T.
Other names: c.598G>A, p.Ala200Thr (NM_001286506.2); c.712G>A (NM_080860.2); short protein forms A238T, A200T.
Identifiers: ClinVar variation 1401143 (VCV001401143.4), dbSNP rs200745905, ClinGen allele CA10043825.

ClinVar aggregate classification (germline): Uncertain significance. Review status: criteria provided, multiple submitters, no conflicts (2 of 4 stars). 2 submissions from 2 submitters: Uncertain significance (2). Last evaluated 2023-11-06.

Conditions:
Primary ciliary dyskinesia. Also called: Ciliary dyskinesia. Identifiers: Orphanet 244, MedGen C0008780, MONDO:0016575, HP:0012265.
Inborn genetic diseases. Identifiers: MedGen C0950123, MeSH D030342.

Allele frequency attached by ClinVar (database versions not stated): 1000 Genomes Project 0.00020.
gnomAD v4.1: 63 of 1,613,896 alleles (0.0039%); highest among the groups gnomAD compares: South Asian, 0.013%; no homozygotes.

Submissions (2):

Ambry Genetics
Classification: Uncertain significance for Inborn genetic diseases. Last evaluated: 2023-11-06. Review status: criteria provided, single submitter. Criteria: Ambry Variant Classification Scheme 2023. Collection method: clinical testing. Allele origin: germline.

Labcorp Genetics (formerly Invitae), Labcorp
Classification: Uncertain significance for Primary ciliary dyskinesia. Last evaluated: 2022-06-05. Review status: criteria provided, single submitter. Criteria: Invitae Variant Classification Sherloc (09022015). Collection method: clinical testing. Allele origin: germline.
Comment: This sequence change replaces alanine, which is neutral and non-polar, with threonine, which is neutral and polar, at codon 238 of the RSPH1 protein (p.Ala238Thr). This variant is present in population databases (rs200745905, gnomAD 0.02%). This variant has not been reported in the literature in individuals affected with RSPH1-related conditions. ClinVar contains an entry for this variant (Variation ID: 1401143). Algorithms developed to predict the effect of missense changes on protein structure and function output the following: SIFT: "Tolerated"; PolyPhen-2: "Benign"; Align-GVGD: "Class C0". The threonine amino acid residue is found in multiple mammalian species, which suggests that this missense change does not adversely affect protein function. In summary, the available evidence is currently insufficient to determine the role of this variant in disease. Therefore, it has been classified as a Variant of Uncertain Significance.